The following is an entry in ClinVar:

ClinVar aggregate classification (germline): Conflicting classifications of pathogenicity. Review status: criteria provided, conflicting classifications (1 of 4 stars). 6 submissions from 6 submitters: Uncertain significance (2); Likely benign (3). 1 of the submissions does not count toward it. Last evaluated 2025-12-24.

Conditions:
Nephrolithiasis susceptibility caused by SLC26A1 (CAON1). Also called: NEPHROLITHIASIS, CALCIUM OXALATE, 1. Identifiers: MedGen C5779632, MONDO:0020722, OMIM 167030.
Hypersulfaturia (HYSULF). Identifiers: MedGen C5830511, MONDO:0957268, OMIM 620372.
Nephrolithiasis, calcium oxalate. Also called: Calcium oxalate urolithiasis. Identifiers: MedGen C1833683, MONDO:0957318, HP:0008672.

Allele frequency attached by ClinVar (database versions not stated): gnomAD exomes 0.00277 and 0.00170; ExAC 0.00310; 1000 Genomes Project 30x 0.00062; 1000 Genomes Project 0.00080; ESP Exome Variant Server 0.00156; gnomAD 0.00173 and 0.00222; TOPMed 0.00249.
gnomAD v4.1: 4,212 of 1,566,848 alleles (0.27%); highest among the groups gnomAD compares: Non-Finnish European, 0.33%; 12 homozygotes.

Submissions (6):

Labcorp Genetics (formerly Invitae), Labcorp
Classification: Likely benign. Last evaluated: 2025-12-24. Review status: criteria provided, single submitter. Criteria: Invitae Variant Classification Sherloc (09022015). Collection method: clinical testing. Allele origin: germline.

CeGaT Center for Human Genetics Tuebingen
Classification: Likely benign. Last evaluated: 2025-10-01. Review status: criteria provided, single submitter. Criteria: CeGaT Center For Human Genetics Tuebingen Variant Classification Criteria Version 2. Collection method: clinical testing. Allele origin: germline. Affected: yes. Observed: 3 variant alleles.
Comment: SLC26A1: BS2

Mayo Clinic Laboratories, Mayo Clinic
Classification: Uncertain significance. Last evaluated: 2025-03-07. Review status: criteria provided, single submitter. Criteria: ACMG Guidelines, 2015. Collection method: clinical testing. Allele origin: germline. Observed: 2 variant alleles.
Comment: PP3_moderate

Department of Pathology and Laboratory Medicine, Sinai Health System
Classification: Uncertain significance for Nephrolithiasis susceptibility caused by SLC26A1; Hypersulfaturia. Last evaluated: 2022-07-21. Review status: criteria provided, single submitter. Criteria: ACMG Guidelines, 2015. Collection method: research. Allele origin: germline.

Fulgent Genetics
Classification: Likely benign for Nephrolithiasis susceptibility caused by SLC26A1. Last evaluated: 2021-07-26. Review status: criteria provided, single submitter. Criteria: ACMG Guidelines, 2015. Collection method: clinical testing. Allele origin: unknown.

Martin Pollak Laboratory,  Beth Israel Deaconess Medical Center
Classification: Uncertain significance. Review status: no assertion criteria provided. Collection method: not provided. Allele origin: unknown. Not counted in ClinVar's aggregate classification.
Comment: Higher UCa2+ group
ClinVar note: Converted during submission from unknown to Uncertain significance.

Literature cited by the submitters: PubMed 27412988 (cited by Mayo Clinic Laboratories, Mayo Clinic); PubMed 36719378 (cited by Mayo Clinic Laboratories, Mayo Clinic).

NM_022042.4(SLC26A1):c.1043T>C (p.Leu348Pro)

Genes: IDUA (alpha-L-iduronidase; plus strand), SLC26A1 (solute carrier family 26 member 1; minus strand). Cytogenetic location: 4p16.3.
Variant type: single nucleotide variant.
Coding change: c.1043T>C on transcript NM_022042.4 (MANE Select); coding-DNA position 1043, T replaced by C.
Protein change: p.Leu348Pro; replaces leucine 348 with proline.
Molecular consequence: missense variant. On other transcripts: intron variant (2).
Genome position (GRCh38, 1-based): chr4:989,896, A>G on the plus strand (T>C on the coding strand, the complement: SLC26A1 is on the minus strand). VCF-style: chr4-989896-A-G. GRCh37 (hg19) VCF-style: chr4-983684-A-G.
Other names: p.Leu348Pro; c.1043T>C, p.Leu348Pro (NM_213613.4); c.576+1232T>C (NM_134425.4); c.299+1947A>G (NM_000203.5); short protein forms L348P.
Identifiers: ClinVar variation 64577 (VCV000064577.16), dbSNP rs148386572, ClinGen allele CA216437.